The following is an entry in ClinVar:

ClinVar aggregate classification (germline): Likely benign. Review status: criteria provided, single submitter (1 of 4 stars). 2 submissions from 2 submitters: Likely benign (1). 1 of the submissions does not count toward it. Last evaluated 2025-02-26.

Conditions:
RAI1-related disorder. Also called: RAI1-related condition.

Allele frequency attached by ClinVar (database versions not stated): TOPMed 0.00001; 1000 Genomes Project 30x 0.00016; 1000 Genomes Project 0.00020; gnomAD 0.00001; ESP Exome Variant Server 0.00008.
gnomAD v4.1: 6 of 1,613,424 alleles (0.00037%); highest among the groups gnomAD compares: African/African-American, 0.0013%; no homozygotes.

Submissions (2):

Labcorp Genetics (formerly Invitae), Labcorp
Classification: Likely benign. Last evaluated: 2025-02-26. Review status: criteria provided, single submitter. Criteria: Invitae Variant Classification Sherloc (09022015). Collection method: clinical testing. Allele origin: germline.

PreventionGenetics, part of Exact Sciences
Classification: Likely benign for RAI1-related condition. Last evaluated: 2020-08-31. Review status: no assertion criteria provided. Collection method: clinical testing. Allele origin: germline. Not counted in ClinVar's aggregate classification.
Comment: This variant is classified as likely benign based on ACMG/AMP sequence variant interpretation guidelines (Richards et al. 2015 PMID: 25741868, with internal and published modifications).

NM_030665.4(RAI1):c.4515C>T (p.Gly1505=)

Gene: RAI1 (retinoic acid induced 1; plus strand). Cytogenetic location: 17p11.2.
Variant type: single nucleotide variant.
Coding change: c.4515C>T on transcript NM_030665.4 (MANE Select); coding-DNA position 4515, C replaced by T.
Protein change: p.Gly1505=; no amino-acid change (glycine 1505 retained).
Molecular consequence: synonymous variant.
Genome position (GRCh38, 1-based): chr17:17,797,463, C>T. VCF-style: chr17-17797463-C-T. GRCh37 (hg19) VCF-style: chr17-17700777-C-T.
Other names: c.4515C>T (NM_030665.3).
Identifiers: ClinVar variation 2891152 (VCV002891152.5), dbSNP rs146571258, ClinGen allele CA288371229.